The following is an entry in ClinVar:

NM_001378454.1(ALMS1):c.8883G>A (p.Pro2961=)

Gene: ALMS1 (ALMS1 centrosome and basal body associated protein; plus strand). Cytogenetic location: 2p13.1.
Variant type: single nucleotide variant.
Coding change: c.8883G>A on transcript NM_001378454.1 (MANE Select); coding-DNA position 8883, G replaced by A.
Protein change: p.Pro2961=; no amino-acid change (proline 2961 retained).
Molecular consequence: synonymous variant.
Genome position (GRCh38, 1-based): chr2:73,490,842, G>A. VCF-style: chr2-73490842-G-A. GRCh37 (hg19) VCF-style: chr2-73717969-G-A.
Other names: c.8886G>A, p.Pro2962= (NM_015120.4).
Identifiers: ClinVar variation 392230 (VCV000392230.18), dbSNP rs367862140, ClinGen allele CA1714562.
Genomic context (GRCh38, chr2:73,490,842, plus strand): 5'-AATGAGAGAAAACCATTCTCCCCTTCCTCAAGGTCAGGATTCTATAGCTTCAGACCTTCC[G>A]TCTCCCATTTCTCTTGAACAATGCCAAAGCAAAGCGCCAGGTGTAGATGACCAAATGAAT-3'
Protein context (NP_001365383.1, residues 2951-2971): QGQDSIASDL[Pro2961=]SPISLEQCQS

ClinVar aggregate classification (germline): Likely benign. Review status: criteria provided, multiple submitters, no conflicts (2 of 4 stars). 7 submissions from 7 submitters: Likely benign (5). 2 of the submissions do not count toward it. Last evaluated 2026-02-03.

Conditions:
Cardiovascular phenotype. Identifiers: MedGen CN230736.
Alstrom syndrome (ALMS). Identifiers: Orphanet 64, MedGen C0268425, MONDO:0008763, OMIM 203800.

Allele frequency attached by ClinVar (database versions not stated): ExAC 0.00002; gnomAD exomes 0.00002; TOPMed 0.00007; ESP Exome Variant Server 0.00008; gnomAD 0.00009 and 0.00010.
gnomAD v4.1: 46 of 1,613,624 alleles (0.0029%); highest among the groups gnomAD compares: African/African-American, 0.017%; no homozygotes.

Submissions (7):

Labcorp Genetics (formerly Invitae), Labcorp
Classification: Likely benign for Alstrom syndrome. Last evaluated: 2026-02-03. Review status: criteria provided, single submitter. Criteria: Invitae Variant Classification Sherloc (09022015). Collection method: clinical testing. Allele origin: germline.

Women's Health and Genetics/Laboratory Corporation of America, LabCorp
Classification: Likely benign. Last evaluated: 2024-11-05. Review status: criteria provided, single submitter. Criteria: LabCorp Variant Classification Summary - May 2015. Collection method: clinical testing. Allele origin: germline.

Blueprint Genetics
Classification: Likely benign. Last evaluated: 2023-05-17. Review status: criteria provided, single submitter. Criteria: ACMG Guidelines, 2015. Collection method: clinical testing. Allele origin: germline.

Ambry Genetics
Classification: Likely benign for Cardiovascular phenotype. Last evaluated: 2020-05-27. Review status: criteria provided, single submitter. Criteria: Ambry Variant Classification Scheme 2023. Collection method: clinical testing. Allele origin: germline.

GeneDx
Classification: Likely benign. Last evaluated: 2016-12-27. Review status: criteria provided, single submitter. Criteria: GeneDx Variant Classification (06012015). Collection method: clinical testing. Allele origin: germline. Affected: yes.
Comment: This variant is considered likely benign or benign based on one or more of the following criteria: it is a conservative change, it occurs at a poorly conserved position in the protein, it is predicted to be benign by multiple in silico algorithms, and/or has population frequency not consistent with disease.

Natera, Inc.
Classification: Uncertain significance for Alstrom syndrome. Last evaluated: 2020-01-24. Review status: no assertion criteria provided. Collection method: clinical testing. Allele origin: germline. Not counted in ClinVar's aggregate classification.

Counsyl
Classification: Uncertain significance for Alstrom syndrome. Last evaluated: 2017-11-21. Review status: no assertion criteria provided. Collection method: clinical testing. Allele origin: unknown. Not counted in ClinVar's aggregate classification.